The following is an entry in ClinVar:

NM_005362.4(MAGEA3):c.586A>G (p.Met196Val)

Gene: MAGEA3 (MAGE family member A3). Cytogenetic location: Xq28.
Variant type: single nucleotide variant.
Coding change: c.586A>G on transcript NM_005362.4 (MANE Select); coding-DNA position 586, A replaced by G.
Protein change: p.Met196Val; replaces methionine 196 with valine.
Molecular consequence: missense variant.
Genome position (GRCh38, 1-based): chrX:152,701,418, A>G. VCF-style: chrX-152701418-A-G. GRCh37 (hg19) VCF-style: chrX-151935581-T-C.
Other names: short protein forms M196V.
Identifiers: ClinVar variation 4840692 (VCV004840692.1).
Genomic context (GRCh38, chrX:152,701,418, plus strand): 5'-TACATCTTTGCCACCTGCCTGGGCCTCTCCTACGATGGCCTGCTGGGTGACAATCAGATC[A>G]TGCCCAAGGCAGGCCTCCTGATAATCGTCCTGGCCATAATCGCAAGAGAGGGCGACTGTG-3'
Protein context (NP_005353.1, residues 186-206): YDGLLGDNQI[Met196Val]PKAGLLIIVL

ClinVar aggregate classification (germline): Uncertain significance (1 of 4 stars; one submission).

Submission:

Ambry Genetics
Classification: Uncertain significance. Last evaluated: 2026-02-27. Review status: criteria provided, single submitter. Criteria: Ambry Variant Classification Scheme 2023. Collection method: clinical testing. Allele origin: germline.
Comment: The c.586A>G (p.M196V) alteration is located in exon 3 (coding exon 1) of the MAGEA3 gene. This alteration results from a A to G substitution at nucleotide position 586, causing the methionine (M) at amino acid position 196 to be replaced by a valine (V). Based on data from gnomAD, the G allele has an overall frequency of <0.001% (1/183118) total alleles studied. The highest observed frequency was 0.001% (1/81818) of European (non-Finnish) alleles. Based on insufficient or conflicting evidence, the clinical significance of this alteration remains unclear.